The following is an entry in ClinVar:

ClinVar aggregate classification (germline): Benign/Likely benign. Review status: criteria provided, multiple submitters, no conflicts (2 of 4 stars). 10 submissions from 10 submitters: Benign (5); Likely benign (5). Last evaluated 2026-01-17.

Conditions:
Inborn genetic diseases. Identifiers: MedGen C0950123, MeSH D030342.
CHARGE syndrome (CHARGE). Also called: Hittner Hirsch Kreh syndrome; Coloboma, heart anomaly, choanal atresia, retardation, genital and ear anomalies; CHARGE association; Hall-Hittner syndrome; CHARGE ASSOCIATION--COLOBOMA, HEART ANOMALY, CHOANAL ATRESIA, RETARDATION, GENITAL AND EAR ANOMALIES. Identifiers: Orphanet 138, MedGen C0265354, MONDO:0008965.
Hypogonadotropic hypogonadism 5 with or without anosmia (KAL5). Also called: CHD7-Related GnRH Deficiency (Kallmann Syndrome 5); HYPOGONADOTROPIC HYPOGONADISM 5 WITH ANOSMIA; HYPOGONADOTROPHIC HYPOGONADISM 5 WITHOUT ANOSMIA. Identifiers: Orphanet 478, MedGen C3552553, MONDO:0012880, OMIM 612370. Disease mechanism: loss of function.

Allele frequency attached by ClinVar (database versions not stated): gnomAD exomes 0.00032; ExAC 0.00035; 1000 Genomes Project 30x 0.00094; 1000 Genomes Project 0.00100; TOPMed 0.00149; gnomAD 0.00150 and 0.00160; ESP Exome Variant Server 0.00158.
gnomAD v4.1: 419 of 1,614,032 alleles (0.026%); highest among the groups gnomAD compares: African/African-American, 0.51%; no homozygotes.

Submissions (10):

Labcorp Genetics (formerly Invitae), Labcorp
Classification: Benign for CHARGE syndrome. Last evaluated: 2026-01-17. Review status: criteria provided, single submitter. Criteria: Invitae Variant Classification Sherloc (09022015). Collection method: clinical testing. Allele origin: germline.

Blueprint Genetics
Classification: Likely benign. Last evaluated: 2024-11-11. Review status: criteria provided, single submitter. Criteria: ACMG Guidelines, 2015. Collection method: clinical testing. Allele origin: germline.

CeGaT Center for Human Genetics Tuebingen
Classification: Likely benign. Last evaluated: 2024-05-01. Review status: criteria provided, single submitter. Criteria: CeGaT Center For Human Genetics Tuebingen Variant Classification Criteria Version 2. Collection method: clinical testing. Allele origin: germline. Affected: yes. Observed: 1 variant allele.
Comment: CHD7: BP4, BS1

Fulgent Genetics
Classification: Likely benign for CHD7-related CHARGE syndrome; Hypogonadotropic hypogonadism 5 with or without anosmia. Last evaluated: 2021-11-04. Review status: criteria provided, single submitter. Criteria: ACMG Guidelines, 2015. Collection method: clinical testing. Allele origin: unknown.

GeneDx
Classification: Benign. Last evaluated: 2020-06-21. Review status: criteria provided, single submitter. Criteria: GeneDx Variant Classification Process June 2021. Collection method: clinical testing. Allele origin: germline. Affected: yes.

Laboratory for Molecular Medicine, Mass General Brigham Personalized Medicine
Classification: Likely benign. Last evaluated: 2017-08-23. Review status: criteria provided, single submitter. Criteria: LMM Criteria. Collection method: clinical testing. Allele origin: germline. Observed: 1 variant allele.
Comment: p.Ala1919Ala in exon 29 of CHD7: This variant is not expected to have clinical s ignificance because it does not alter an amino acid residue and is not located w ithin the splice consensus sequence. It has been identified in 0.39% (38/9686) o f African chromosomes by the Exome Aggregation Consortium (ExAC; dbSNP rs79203206).

Ambry Genetics
Classification: Likely benign for Inborn genetic diseases. Last evaluated: 2016-10-03. Review status: criteria provided, single submitter. Criteria: Ambry Variant Classification Scheme 2023. Collection method: clinical testing. Allele origin: germline.

Women's Health and Genetics/Laboratory Corporation of America, LabCorp
Classification: Benign. Last evaluated: 2016-06-27. Review status: criteria provided, single submitter. Criteria: LabCorp Variant Classification Summary - May 2015. Collection method: clinical testing. Allele origin: germline.
Comment: Variant summary: The CHD7 c.5757C>G (p.Ala1919Ala) variant involves the alteration of a non-conserved nucleotide, resulting in a synonymous change. One in silico tool predicts a damaging outcome for this variant, and 3/5 splicing algorithms predict no significant change to normal splicing. This variant was found in 42/119590 control chromosomes at a frequency of 0.0003512, which is approximately 281 times the estimated maximal expected allele frequency of a pathogenic CHD7 variant (0.0000013), suggesting this variant is likely a benign polymorphism. One clinical lab has classified this variant as benign, and it had been reported in at least one CHARGE syndrome patient, but considered to be benign (Janssen_HM_2012). Taken together, given the synonymous nature of this variant and the high allele frequency on the general population, this variant was classified as benign.

Eurofins Ntd Llc (ga)
Classification: Benign. Last evaluated: 2015-08-12. Review status: criteria provided, single submitter. Criteria: EGL Classification Definitions 2015. Collection method: clinical testing. Allele origin: germline. Observed: 1 variant allele, 1 heterozygote.

PreventionGenetics, part of Exact Sciences
Classification: Benign. Review status: criteria provided, single submitter. Criteria: ACMG Guidelines, 2015. Collection method: clinical testing. Allele origin: germline.

Literature cited by the submitters: PubMed 22461308 (cited by Women's Health and Genetics/Laboratory Corporation of America, LabCorp).

NM_017780.4(CHD7):c.5757C>G (p.Ala1919=)

Gene: CHD7 (chromodomain helicase DNA binding protein 7; plus strand). Cytogenetic location: 8q12.2.
Variant type: single nucleotide variant.
Coding change: c.5757C>G on transcript NM_017780.4 (MANE Select); coding-DNA position 5757, C replaced by G.
Protein change: p.Ala1919=; no amino-acid change (alanine 1919 retained).
Molecular consequence: synonymous variant. On other transcripts: intron variant (1).
Genome position (GRCh38, 1-based): chr8:60,852,110, C>G. VCF-style: chr8-60852110-C-G. GRCh37 (hg19) VCF-style: chr8-61764669-C-G.
Other names: c.1717-10119C>G (NM_001316690.1).
Identifiers: ClinVar variation 260910 (VCV000260910.47), dbSNP rs79203206, ClinGen allele CA4760454.